The following is an entry in ClinVar:

NM_007294.4(BRCA1):c.134+746G>A

Gene: BRCA1 (BRCA1 DNA repair associated; minus strand). Cytogenetic location: 17q21.31.
Variant type: single nucleotide variant.
Coding change: c.134+746G>A on transcript NM_007294.4 (MANE Select); 746 bases into the intron after coding-DNA position 134, G replaced by A.
Molecular consequence: intron variant.
Genome position (GRCh38, 1-based): chr17:43,114,980, C>T on the plus strand (G>A on the coding strand, the complement: BRCA1 is on the minus strand). VCF-style: chr17-43114980-C-T. GRCh37 (hg19) VCF-style: chr17-41266997-C-T.
Other names: IVS 3+746G>A; c.-8+746G>A (NM_001408470.1, NM_001407848.1, NM_001407839.1 and 47 more transcripts); c.-124+746G>A (NM_001407746.1, NM_001408468.1, NM_001407842.1 and 13 more transcripts); c.-7-8447G>A (NM_001408461.1, NM_001407738.1, NM_001407932.1 and 28 more transcripts); c.-55+746G>A (NM_001407886.1, NM_001408509.1, NM_001408508.1 and 52 more transcripts); c.134+746G>A (NM_001407686.1, NM_001408397.1, NM_001407632.1 and 191 more transcripts); c.80+9037G>A (NM_001408451.1); c.-54-8447G>A (NM_001407898.1, NM_001407881.1, NM_001407902.1); and 9 more.
Identifiers: ClinVar variation 209530 (VCV000209530.3), dbSNP rs8176104, ClinGen allele CA276499.

ClinVar aggregate classification (germline): Benign. Review status: reviewed by expert panel (3 of 4 stars). 2 submissions from 2 submitters: Benign (1). 1 of the submissions does not count toward it. Last evaluated 2015-01-12.

Conditions:
Breast-ovarian cancer, familial, susceptibility to, 1 (BROVCA1). Also called: BRCA1 Hereditary Breast and Ovarian Cancer; OVARIAN CANCER, SUSCEPTIBILITY TO. Identifiers: Orphanet 145, MedGen C2676676, MONDO:0011450, OMIM 604370. Disease mechanism: loss of function.

Allele frequency attached by ClinVar (database versions not stated): 1000 Genomes Project 0.01338; 1000 Genomes Project 30x 0.01421; TOPMed 0.02608; gnomAD 0.02956 and 0.03011.
gnomAD v4.1: 4,490 of 152,084 alleles (3%); highest among the groups gnomAD compares: Non-Finnish European, 4.8%; 100 homozygotes.

Submissions (2):

Evidence-based Network for the Interpretation of Germline Mutant Alleles (ENIGMA)
Classification: Benign for Breast-ovarian cancer, familial 1. Last evaluated: 2015-01-12. Review status: reviewed by expert panel. Criteria: ENIGMA BRCA1/2 Classification Criteria (2015). Collection method: curation. Allele origin: germline.
Comment: Class 1 not pathogenic based on frequency >1% in an outbred sampleset. Frequency 0.03826 (European), derived from 1000 genomes (2012-04-30).

GeneDx
Classification: Benign. Last evaluated: 2019-06-15. Review status: criteria provided, single submitter. Criteria: GeneDx Variant Classification Process June 2021. Collection method: clinical testing. Allele origin: germline. Affected: yes. Not counted in ClinVar's aggregate classification.